The following is an entry in ClinVar:

NM_000203.5(IDUA):c.164C>T (p.Pro55Leu)

Genes: IDUA (alpha-L-iduronidase; plus strand), SLC26A1 (solute carrier family 26 member 1; minus strand). Cytogenetic location: 4p16.3.
Variant type: single nucleotide variant.
Coding change: c.164C>T on transcript NM_000203.5 (MANE Select); coding-DNA position 164, C replaced by T.
Protein change: p.Pro55Leu; replaces proline 55 with leucine.
Molecular consequence: missense variant. On other transcripts: 3 prime UTR variant (2), non-coding transcript variant (1), intron variant (1).
Genome position (GRCh38, 1-based): chr4:987,814, C>T. VCF-style: chr4-987814-C-T. GRCh37 (hg19) VCF-style: chr4-981602-C-T.
Other names: c.164C>T (NM_000203.3); c.*1019G>A (NM_022042.4, NM_213613.4); c.576+3314G>A (NM_134425.4); short protein forms P55L.
Identifiers: ClinVar variation 968667 (VCV000968667.12), dbSNP rs199554923, ClinGen allele CA2801130.

ClinVar aggregate classification (germline): Uncertain significance. Review status: criteria provided, multiple submitters, no conflicts (2 of 4 stars). 5 submissions from 5 submitters: Uncertain significance (3). 2 of the submissions do not count toward it. Last evaluated 2024-10-21.

Conditions:
IDUA-related disorder. Also called: IDUA-related condition.
Mucopolysaccharidosis type 1. Also called: IDUA deficiency; MPS I. Identifiers: Orphanet 579, MedGen C0023786, MONDO:0001586.
Inborn genetic diseases. Identifiers: MedGen C0950123, MeSH D030342.

Allele frequency attached by ClinVar (database versions not stated): ExAC 0.00003; 1000 Genomes Project 30x 0.00016; 1000 Genomes Project 0.00020; gnomAD 0.00008 and 0.00004; TOPMed 0.00008.
gnomAD v4.1: 33 of 1,612,386 alleles (0.002%); highest among the groups gnomAD compares: Middle Eastern, 0.017%; no homozygotes.

Submissions (5):

Revvity Omics, Revvity
Classification: Uncertain significance. Last evaluated: 2024-10-21. Review status: criteria provided, single submitter. Criteria: ACMG Guidelines, 2015. Collection method: clinical testing. Allele origin: germline.

Ambry Genetics
Classification: Uncertain significance for Inborn genetic diseases. Last evaluated: 2024-09-24. Review status: criteria provided, single submitter. Criteria: Ambry Variant Classification Scheme 2023. Collection method: clinical testing. Allele origin: germline.
Comment: The p.P55L variant (also known as c.164C>T), located in coding exon 2 of the IDUA gene, results from a C to T substitution at nucleotide position 164. The proline at codon 55 is replaced by leucine, an amino acid with similar properties. This amino acid position is conserved. In addition, the in silico prediction for this alteration is inconclusive. Based on the available evidence, the clinical significance of this variant remains unclear.

Labcorp Genetics (formerly Invitae), Labcorp
Classification: Uncertain significance for Mucopolysaccharidosis type 1. Last evaluated: 2022-10-14. Review status: criteria provided, single submitter. Criteria: Invitae Variant Classification Sherloc (09022015). Collection method: clinical testing. Allele origin: germline.
Comment: This sequence change replaces proline, which is neutral and non-polar, with leucine, which is neutral and non-polar, at codon 55 of the IDUA protein (p.Pro55Leu). This variant is present in population databases (rs199554923, gnomAD 0.01%). This variant has not been reported in the literature in individuals affected with IDUA-related conditions. ClinVar contains an entry for this variant (Variation ID: 968667). Advanced modeling of protein sequence and biophysical properties (such as structural, functional, and spatial information, amino acid conservation, physicochemical variation, residue mobility, and thermodynamic stability) performed at Invitae indicates that this missense variant is expected to disrupt IDUA protein function. In summary, the available evidence is currently insufficient to determine the role of this variant in disease. Therefore, it has been classified as a Variant of Uncertain Significance.

PreventionGenetics, part of Exact Sciences
Classification: Uncertain significance for IDUA-related condition. Last evaluated: 2024-07-10. Review status: no assertion criteria provided. Collection method: clinical testing. Allele origin: germline. Not counted in ClinVar's aggregate classification.
Comment: The IDUA c.164C>T variant is predicted to result in the amino acid substitution p.Pro55Leu. To our knowledge, this variant has not been reported in the literature. This variant is reported in 0.013% of alleles in individuals of African descent in gnomAD. At this time, the clinical significance of this variant is uncertain due to the absence of conclusive functional and genetic evidence.

Natera, Inc.
Classification: Uncertain significance for Mucopolysaccharidosis type I. Last evaluated: 2020-01-17. Review status: no assertion criteria provided. Collection method: clinical testing. Allele origin: germline. Not counted in ClinVar's aggregate classification.